The following is an entry in ClinVar:

ClinVar aggregate classification (germline): Pathogenic (1 of 4 stars; one submission).

Conditions:
Junctional epidermolysis bullosa. Identifiers: Orphanet 305, MedGen C0079301, MONDO:0017612.

Submission:

Myriad Genetics, Inc.
Classification: Pathogenic for Junctional epidermolysis bullosa. Last evaluated: 2025-02-09. Review status: criteria provided, single submitter. Criteria: Myriad Autosomal Dominant, Autosomal Recessive and X-Linked Classification Criteria (2023). Collection method: clinical testing. Allele origin: unknown.
Comment: NM_000228.2(LAMB3):c.38_45del8(G13Afs*38) is expected to be pathogenic in the context of junctional epidermolysis bullosa, LAMB3-related. This variant is predicted to lead to an abnormal or absent protein product due to the creation of a premature termination codon in LAMB3, a gene where loss-of-function variants are known to be pathogenic. Please note: this variant was assessed in the context of healthy population screening.

NM_000228.3(LAMB3):c.38_45del (p.Gly13fs)

Gene: LAMB3 (laminin subunit beta 3; minus strand). Cytogenetic location: 1q32.2.
Variant type: Deletion.
Coding change: c.38_45del on transcript NM_000228.3 (MANE Select); coding-DNA positions 38 to 45, 8 bases deleted (GCCTCCTG; older notation c.38_45delGCCTCCTG).
Protein change: p.Gly13fs; shifts the reading frame from glycine 13.
Molecular consequence: frameshift variant.
Genome position (GRCh38, 1-based): chr1:209,650,102-209,650,109, CAGGAGGC deleted on the plus strand (GCCTCCTG on the coding strand, the reverse complement: LAMB3 is on the minus strand); deleting any 8 consecutive bases within chr1:209,650,102-209,650,113 gives the same sequence; the c. name uses the placement nearest the transcript's 3' end. VCF-style (leftmost placement, unchanged base first): chr1-209650101-GCAGGAGGC-G. GRCh37 (hg19) VCF-style: chr1-209823446-GCAGGAGGC-G.
Other names: c.38_45del, p.Gly13fs (NM_001017402.2, NM_001127641.1); short protein forms G13fs.
Identifiers: ClinVar variation 5014074 (VCV005014074.1).
Genomic context (GRCh38, chr1:209,650,101, plus strand): 5'-CAACAAGCAGGTCCCCAACAGGTGGATAGCAGGCCCCACGGGAGCAGGCTTGTTGGGCAT[GCAGGAGGC>G]CAGGCAGGGCTGAAATCACAGGGATGTGTGATGGAGCAGTCCAGAAAAAAAGGGACCTCA-3'